The following is an entry in ClinVar:

ClinVar aggregate classification (germline): Pathogenic. Review status: reviewed by expert panel (3 of 4 stars). 2 submissions from 2 submitters: Pathogenic (1). 1 of the submissions does not count toward it. Last evaluated 2016-10-18.

Conditions:
Breast-ovarian cancer, familial, susceptibility to, 2 (BROVCA2). Also called: BRCA2 Hereditary Breast and Ovarian Cancer. Identifiers: Orphanet 145, MedGen C2675520, MONDO:0012933, OMIM 612555. Disease mechanism: loss of function.

Submissions (2):

Evidence-based Network for the Interpretation of Germline Mutant Alleles (ENIGMA)
Classification: Pathogenic for Breast-ovarian cancer, familial, susceptibility to, 2. Last evaluated: 2016-10-18. Review status: reviewed by expert panel. Criteria: ENIGMA BRCA1/2 Classification Criteria (2015). Collection method: curation. Allele origin: germline.
Comment: Variant allele predicted to encode a truncated non-functional protein.

Consortium of Investigators of Modifiers of BRCA1/2 (CIMBA), c/o University of Cambridge
Classification: Pathogenic for Breast-ovarian cancer, familial, susceptibility to, 2. Last evaluated: 2015-10-02. Review status: criteria provided, single submitter. Criteria: CIMBA Mutation Classification guidelines May 2016. Collection method: clinical testing. Allele origin: germline. Not counted in ClinVar's aggregate classification.

NM_000059.4(BRCA2):c.4476dup (p.Glu1493fs)

Gene: BRCA2 (BRCA2 DNA repair associated; plus strand). Cytogenetic location: 13q13.1.
Variant type: Duplication.
Coding change: c.4476dup on transcript NM_000059.4 (MANE Select); coding-DNA position 4476, one base duplicated (A; older notation c.4476dupA).
Protein change: p.Glu1493fs; shifts the reading frame from glutamic acid 1493.
Molecular consequence: frameshift variant.
Genome position (GRCh38, 1-based): chr13:32,338,831, A duplicated; the last of 3 consecutive A bases (chr13:32,338,829-32,338,831); duplicating any one gives the same sequence. VCF-style (leftmost placement, unchanged base first): chr13-32338828-G-GA. GRCh37 (hg19) VCF-style: chr13-32912965-G-GA.
Other names: 4705insA; short protein forms E1493fs.
Identifiers: ClinVar variation 266817 (VCV000266817.5), dbSNP rs886040534, ClinGen allele CA10589264.
Genomic context (GRCh38, chr13:32,338,828, plus strand): 5'-AAAGAACAAAATGGACATTCTAAGTTATGAGGAAACAGACATAGTTAAACACAAAATACT[G>GA]AAAGAAAGTGTCCCAGTTGGTACTGGAAATCAACTAGTGACCTTCCAGGGACAACCCGAA-3'